The following is an entry in ClinVar:

ClinVar aggregate classification (germline): Uncertain significance (1 of 4 stars; one submission).

gnomAD v4.1: 2 of 1,613,990 alleles (0.00012%); highest among the groups gnomAD compares: Non-Finnish European, 0.000085%; no homozygotes.

Submission:

Labcorp Genetics (formerly Invitae), Labcorp
Classification: Uncertain significance. Last evaluated: 2024-08-15. Review status: criteria provided, single submitter. Criteria: Invitae Variant Classification Sherloc (09022015). Collection method: clinical testing. Allele origin: germline.
Comment: This sequence change replaces methionine, which is neutral and non-polar, with threonine, which is neutral and polar, at codon 338 of the MMP9 protein (p.Met338Thr). This variant is not present in population databases (gnomAD no frequency). This variant has not been reported in the literature in individuals affected with MMP9-related conditions. An algorithm developed to predict the effect of missense changes on protein structure and function outputs the following: PolyPhen-2: "Benign". The threonine amino acid residue is found in multiple mammalian species, which suggests that this missense change does not adversely affect protein function. In summary, the available evidence is currently insufficient to determine the role of this variant in disease. Therefore, it has been classified as a Variant of Uncertain Significance.

NM_004994.3(MMP9):c.1013T>C (p.Met338Thr)

Gene: MMP9 (matrix metallopeptidase 9; plus strand). Cytogenetic location: 20q13.12.
Variant type: single nucleotide variant.
Coding change: c.1013T>C on transcript NM_004994.3 (MANE Select); coding-DNA position 1013, T replaced by C.
Protein change: p.Met338Thr; replaces methionine 338 with threonine.
Molecular consequence: missense variant.
Genome position (GRCh38, 1-based): chr20:46,012,152, T>C. VCF-style: chr20-46012152-T-C. GRCh37 (hg19) VCF-style: chr20-44640791-T-C.
Other names: short protein forms M338T.
Identifiers: ClinVar variation 3606261 (VCV003606261.2).
Genomic context (GRCh38, chr20:46,012,152, plus strand): 5'-TTGGACTCATCCATCTGGCTCATCCAAGGCCTTGGGTCTCTCCAGCTGACTCGACGGTGA[T>C]GGGGGGCAACTCGGCGGGGGAGCTGTGCGTCTTCCCCTTCACTTTCCTGGGTAAGGAGTA-3'
Protein context (NP_004985.2, residues 328-348): FCPTRADSTV[Met338Thr]GGNSAGELCV